The following is an entry in ClinVar:

ClinVar aggregate classification (germline): Uncertain significance (1 of 4 stars; one submission).

Conditions:
Tumor predisposition syndrome 3 (TPDS3). Also called: Glioma susceptibility 9; LONG TELOMERE SYNDROME, POT1-RELATED; POT1 Tumor Predisposition; Melanoma, cutaneous malignant, susceptibility to, 10. Identifiers: Orphanet 618, MedGen C4014476, MONDO:0014368, OMIM 615848.

Submission:

Labcorp Genetics (formerly Invitae), Labcorp
Classification: Uncertain significance for Tumor predisposition syndrome 3. Last evaluated: 2023-06-09. Review status: criteria provided, single submitter. Criteria: Invitae Variant Classification Sherloc (09022015). Collection method: clinical testing. Allele origin: germline.
Comment: This variant is not present in population databases (gnomAD no frequency). This sequence change replaces serine, which is neutral and polar, with isoleucine, which is neutral and non-polar, at codon 582 of the POT1 protein (p.Ser582Ile). This variant has not been reported in the literature in individuals affected with POT1-related conditions. Advanced modeling of protein sequence and biophysical properties (such as structural, functional, and spatial information, amino acid conservation, physicochemical variation, residue mobility, and thermodynamic stability) performed at Invitae indicates that this missense variant is not expected to disrupt POT1 protein function. In summary, the available evidence is currently insufficient to determine the role of this variant in disease. Therefore, it has been classified as a Variant of Uncertain Significance.

NM_015450.3(POT1):c.1745G>T (p.Ser582Ile)

Gene: POT1 (protection of telomeres 1; minus strand). Cytogenetic location: 7q31.33.
Variant type: single nucleotide variant.
Coding change: c.1745G>T on transcript NM_015450.3 (MANE Select); coding-DNA position 1745, G replaced by T.
Protein change: p.Ser582Ile; replaces serine 582 with isoleucine.
Molecular consequence: missense variant. On other transcripts: non-coding transcript variant (3).
Genome position (GRCh38, 1-based): chr7:124,825,299, C>A on the plus strand (G>T on the coding strand, the complement: POT1 is on the minus strand). VCF-style: chr7-124825299-C-A. GRCh37 (hg19) VCF-style: chr7-124465353-C-A.
Other names: c.1352G>T, p.Ser451Ile (NM_001042594.2); short protein forms S451I, S582I.
Identifiers: ClinVar variation 2699375 (VCV002699375.3), dbSNP rs1794602958, ClinGen allele CA369062303.